The following is an entry in ClinVar:

ClinVar aggregate classification (germline): Conflicting classifications of pathogenicity. Review status: criteria provided, conflicting classifications (1 of 4 stars). 5 submissions from 5 submitters: Uncertain significance (1); Likely benign (4). Last evaluated 2025-07-24.

Conditions:
TOPORS-related disorder. Also called: TOPORS-related condition.
Retinitis pigmentosa (RP). Identifiers: Orphanet 791, MedGen C0035334, MeSH D012174, MONDO:0019200, OMIM 268000. Inheritance: Autosomal dominant, autosomal recessive and X linked inheritance.

Allele frequency attached by ClinVar (database versions not stated): gnomAD 0.00002; TOPMed 0.00002; gnomAD exomes 0.00003 and 0.00006; ExAC 0.00008.
gnomAD v4.1: 47 of 1,613,902 alleles (0.0029%); highest among the groups gnomAD compares: Middle Eastern, 0.016%; no homozygotes.

Submissions (5):

PreventionGenetics, part of Exact Sciences
Classification: Likely benign for TOPORS-related condition. Last evaluated: 2025-07-24. Review status: criteria provided, single submitter. Criteria: ACMG Guidelines, 2015. Collection method: clinical testing. Allele origin: germline.
Comment: This variant is classified as likely benign based on ACMG/AMP sequence variant interpretation guidelines (Richards et al. 2015 PMID: 25741868, with internal and published modifications).

Labcorp Genetics (formerly Invitae), Labcorp
Classification: Likely benign. Last evaluated: 2025-01-13. Review status: criteria provided, single submitter. Criteria: Invitae Variant Classification Sherloc (09022015). Collection method: clinical testing. Allele origin: germline.

CeGaT Center for Human Genetics Tuebingen
Classification: Likely benign. Last evaluated: 2024-09-01. Review status: criteria provided, single submitter. Criteria: CeGaT Center For Human Genetics Tuebingen Variant Classification Criteria Version 2. Collection method: clinical testing. Allele origin: germline. Affected: yes. Observed: 1 variant allele.
Comment: TOPORS: BP4, BP7

Blueprint Genetics
Classification: Likely benign. Last evaluated: 2024-02-21. Review status: criteria provided, single submitter. Criteria: ACMG Guidelines, 2015. Collection method: clinical testing. Allele origin: germline.

Illumina Laboratory Services, Illumina
Classification: Uncertain significance for Retinitis pigmentosa. Last evaluated: 2018-01-13. Review status: criteria provided, single submitter. Criteria: ICSL Variant Classification Criteria 13 December 2019. Collection method: clinical testing. Allele origin: germline.

NM_005802.5(TOPORS):c.1725C>T (p.Asn575=)

Gene: TOPORS (TOP1 binding arginine/serine rich protein, E3 ubiquitin ligase; minus strand). Cytogenetic location: 9p21.1.
Variant type: single nucleotide variant.
Coding change: c.1725C>T on transcript NM_005802.5 (MANE Select); coding-DNA position 1725, C replaced by T.
Protein change: p.Asn575=; no amino-acid change (asparagine 575 retained).
Molecular consequence: synonymous variant.
Genome position (GRCh38, 1-based): chr9:32,542,800, G>A on the plus strand (C>T on the coding strand, the complement: TOPORS is on the minus strand). VCF-style: chr9-32542800-G-A. GRCh37 (hg19) VCF-style: chr9-32542798-G-A.
Other names: c.1530C>T, p.Asn510= (NM_001195622.2).
Identifiers: ClinVar variation 912327 (VCV000912327.28), dbSNP rs757674137, ClinGen allele CA5020482.